The following is an entry in ClinVar:

ClinVar aggregate classification (germline): Uncertain significance (1 of 4 stars; one submission).

Conditions:
Catecholaminergic polymorphic ventricular tachycardia 1. Also called: RYR2-Related Catecholaminergic Polymorphic Ventricular Tachycardia; VENTRICULAR TACHYCARDIA, CATECHOLAMINERGIC POLYMORPHIC, 1, WITH OR WITHOUT ATRIAL DYSFUNCTION AND/OR DILATED CARDIOMYOPATHY; VENTRICULAR TACHYCARDIA, STRESS-INDUCED POLYMORPHIC 1. Identifiers: Orphanet 3286, MedGen C1631597, MONDO:0011484, OMIM 604772.

Submission:

Labcorp Genetics (formerly Invitae), Labcorp
Classification: Uncertain significance for Catecholaminergic polymorphic ventricular tachycardia 1. Last evaluated: 2021-03-26. Review status: criteria provided, single submitter. Criteria: Invitae Variant Classification Sherloc (09022015). Collection method: clinical testing. Allele origin: germline.
Comment: In summary, the available evidence is currently insufficient to determine the role of this variant in disease. Therefore, it has been classified as a Variant of Uncertain Significance. Advanced modeling of protein sequence and biophysical properties (such as structural, functional, and spatial information, amino acid conservation, physicochemical variation, residue mobility, and thermodynamic stability) performed at Invitae indicates that this missense variant is not expected to disrupt RYR2 protein function. This variant has not been reported in the literature in individuals with RYR2-related conditions. This variant is not present in population databases (ExAC no frequency). This sequence change replaces arginine with lysine at codon 4469 of the RYR2 protein (p.Arg4469Lys). The arginine residue is highly conserved and there is a small physicochemical difference between arginine and lysine.

NM_001035.3(RYR2):c.13406G>A (p.Arg4469Lys)

Gene: RYR2 (ryanodine receptor 2; plus strand). Cytogenetic location: 1q43.
Variant type: single nucleotide variant.
Coding change: c.13406G>A on transcript NM_001035.3 (MANE Select); coding-DNA position 13406, G replaced by A.
Protein change: p.Arg4469Lys; replaces arginine 4469 with lysine.
Molecular consequence: missense variant.
Genome position (GRCh38, 1-based): chr1:237,788,065, G>A. VCF-style: chr1-237788065-G-A. GRCh37 (hg19) VCF-style: chr1-237951365-G-A.
Other names: short protein forms R4469K.
Identifiers: ClinVar variation 1381922 (VCV001381922.9), dbSNP rs759882217, ClinGen allele CA345416525.